The following is an entry in ClinVar:

NM_001347721.2(DYRK1A):c.1972A>G (p.Thr658Ala)

Gene: DYRK1A (dual specificity tyrosine phosphorylation regulated kinase 1A; plus strand). Cytogenetic location: 21q22.13.
Variant type: single nucleotide variant.
Coding change: c.1972A>G on transcript NM_001347721.2 (MANE Select); coding-DNA position 1972, A replaced by G.
Protein change: p.Thr658Ala; replaces threonine 658 with alanine.
Molecular consequence: missense variant. On other transcripts: 3 prime UTR variant (2).
Genome position (GRCh38, 1-based): chr21:37,512,238, A>G. VCF-style: chr21-37512238-A-G. GRCh37 (hg19) VCF-style: chr21-38884541-A-G.
Other names: c.1972A>G, p.Thr658Ala (NM_001347722.2, NM_130436.2); c.1885A>G, p.Thr629Ala (NM_001347723.2); c.1999A>G, p.Thr667Ala (NM_001396.5); c.*375A>G (NM_101395.2); c.*284A>G (NM_130438.2); short protein forms T658A, T667A, T629A.
Identifiers: ClinVar variation 2709107 (VCV002709107.3), dbSNP rs2518097161, ClinGen allele CA409940048.

ClinVar aggregate classification (germline): Uncertain significance (1 of 4 stars; one submission).

Conditions:
DYRK1A-related intellectual disability syndrome (MRD7). Also called: Intellectual developmental disorder, autosomal dominant 7; DYRK1A Syndrome. Identifiers: Orphanet 464306, MedGen C5568143, MONDO:0013578, OMIM 614104.

gnomAD v4.1: 1 of 1,614,182 alleles (0.000062%); highest among the groups gnomAD compares: Non-Finnish European, 0.000085%; no homozygotes.

Submission:

Labcorp Genetics (formerly Invitae), Labcorp
Classification: Uncertain significance for DYRK1A-related intellectual disability syndrome. Last evaluated: 2024-01-12. Review status: criteria provided, single submitter. Criteria: Invitae Variant Classification Sherloc (09022015). Collection method: clinical testing. Allele origin: germline.
Comment: This sequence change replaces threonine, which is neutral and polar, with alanine, which is neutral and non-polar, at codon 667 of the DYRK1A protein (p.Thr667Ala). This variant is not present in population databases (gnomAD no frequency). This variant has not been reported in the literature in individuals affected with DYRK1A-related conditions. An algorithm developed to predict the effect of missense changes on protein structure and function (PolyPhen-2) suggests that this variant is likely to be tolerated. In summary, the available evidence is currently insufficient to determine the role of this variant in disease. Therefore, it has been classified as a Variant of Uncertain Significance.